The following is an entry in ClinVar:

ClinVar aggregate classification (germline): Uncertain significance (1 of 4 stars; one submission).

Submission:

Labcorp Genetics (formerly Invitae), Labcorp
Classification: Uncertain significance. Last evaluated: 2022-01-11. Review status: criteria provided, single submitter. Criteria: Invitae Variant Classification Sherloc (09022015). Collection method: clinical testing. Allele origin: germline.
Comment: This sequence change replaces phenylalanine, which is neutral and non-polar, with valine, which is neutral and non-polar, at codon 1970 of the MPDZ protein (p.Phe1970Val). This variant is not present in population databases (gnomAD no frequency). This variant has not been reported in the literature in individuals affected with MPDZ-related conditions. Algorithms developed to predict the effect of missense changes on protein structure and function are either unavailable or do not agree on the potential impact of this missense change (SIFT: "Deleterious"; PolyPhen-2: "Probably Damaging"; Align-GVGD: "Class C0"). Algorithms developed to predict the effect of sequence changes on RNA splicing suggest that this variant may create or strengthen a splice site. In summary, the available evidence is currently insufficient to determine the role of this variant in disease. Therefore, it has been classified as a Variant of Uncertain Significance.

NM_001378778.1(MPDZ):c.5995T>G (p.Phe1999Val)

Gene: MPDZ (multiple PDZ domain crumbs cell polarity complex component; minus strand). Cytogenetic location: 9p23.
Variant type: single nucleotide variant.
Coding change: c.5995T>G on transcript NM_001378778.1 (MANE Select); coding-DNA position 5995, T replaced by G.
Protein change: p.Phe1999Val; replaces phenylalanine 1999 with valine.
Molecular consequence: missense variant.
Genome position (GRCh38, 1-based): chr9:13,109,007, A>C on the plus strand (T>G on the coding strand, the complement: MPDZ is on the minus strand). VCF-style: chr9-13109007-A-C. GRCh37 (hg19) VCF-style: chr9-13109006-A-C.
Other names: c.5896T>G, p.Phe1966Val (NM_001261406.2, NM_001375416.1, NM_001375417.1 and 1 more transcripts); c.5785T>G, p.Phe1929Val (NM_001375423.1, NM_001375424.1, NM_001375420.1 and 2 more transcripts); c.5698T>G, p.Phe1900Val (NM_001375425.1, NM_001375426.1); c.5587T>G, p.Phe1863Val (NM_001375427.1); c.5908T>G, p.Phe1970Val (NM_003829.5); c.5809T>G, p.Phe1937Val (NM_001261407.2, NM_001375419.1); c.5995T>G, p.Phe1999Val (NM_001330637.2); c.6094T>G, p.Phe2032Val (NM_001375413.1); short protein forms F1863V, F1900V, F1970V, F1937V, F1929V, F1999V, F1966V, F2032V.
Identifiers: ClinVar variation 2080340 (VCV002080340.4), dbSNP rs1365547819, ClinGen allele CA372938992.
Genomic context (GRCh38, chr9:13,109,007, plus strand): 5'-CTGTTTTAACATAAATGGGTAAGTCTCCATGAGGGCTGCCATATCCTCCAACTATACTGA[A>C]GCCTAAGCCATCTGGTCCTCGCTCTAGTGTAATAGACTTACATTGAGGAGGTCTACGGTG-3'
Protein context (NP_001365707.1, residues 1989-2009): TLERGPDGLG[Phe1999Val]SIVGGYGSPH